The following is an entry in ClinVar:

NM_138295.5(PKD1L1):c.846A>G (p.Leu282=)

Gene: PKD1L1 (polycystin 1 like 1, transient receptor potential channel interacting; minus strand). Cytogenetic location: 7p12.3.
Variant type: single nucleotide variant.
Coding change: c.846A>G on transcript NM_138295.5 (MANE Select); coding-DNA position 846, A replaced by G.
Protein change: p.Leu282=; no amino-acid change (leucine 282 retained).
Molecular consequence: synonymous variant.
Genome position (GRCh38, 1-based): chr7:47,929,418, T>C on the plus strand (A>G on the coding strand, the complement: PKD1L1 is on the minus strand). VCF-style: chr7-47929418-T-C. GRCh37 (hg19) VCF-style: chr7-47969015-T-C.
Identifiers: ClinVar variation 4979374 (VCV004979374.1).

ClinVar aggregate classification (germline): Likely benign (1 of 4 stars; one submission).

Conditions:
PKD1L1-related disorder. Also called: PKD1L1-related condition.

gnomAD v4.1: 11 of 1,613,996 alleles (0.00068%); highest among the groups gnomAD compares: African/African-American, 0.015%; no homozygotes.

Submission:

PreventionGenetics, part of Exact Sciences
Classification: Likely benign for PKD1L1-related condition. Last evaluated: 2025-10-29. Review status: criteria provided, single submitter. Criteria: ACMG Guidelines, 2015. Collection method: clinical testing. Allele origin: germline.
Comment: This variant is classified as likely benign based on ACMG/AMP sequence variant interpretation guidelines (Richards et al. 2015 PMID: 25741868, with internal and published modifications).